The following is an entry in ClinVar:

ClinVar aggregate classification (germline): Uncertain significance (1 of 4 stars; one submission).

Conditions:
Combined immunodeficiency due to STIM1 deficiency. Also called: STIM1 DEFICIENCY; IMMUNODEFICIENCY 10. Identifiers: Orphanet 169090, Orphanet 317430, MedGen C2748557, MONDO:0013008, OMIM 612783.
Stormorken syndrome (STRMK). Also called: THROMBOCYTOPATHY, ASPLENIA, AND MIOSIS. Identifiers: Orphanet 3204, MedGen C1861451, MONDO:0008497, OMIM 185070.
Myopathy with tubular aggregates (TAM). Also called: Tubular Aggregate Myopathy. Identifiers: Orphanet 2593, MedGen C0410207, MONDO:0008051.

Submission:

Labcorp Genetics (formerly Invitae), Labcorp
Classification: Uncertain significance for Myopathy with tubular aggregates; Combined immunodeficiency due to STIM1 deficiency; Stormorken syndrome. Last evaluated: 2022-08-31. Review status: criteria provided, single submitter. Criteria: Invitae Variant Classification Sherloc (09022015). Collection method: clinical testing. Allele origin: germline.
Comment: In summary, the available evidence is currently insufficient to determine the role of this variant in disease. Therefore, it has been classified as a Variant of Uncertain Significance. Algorithms developed to predict the effect of missense changes on protein structure and function are either unavailable or do not agree on the potential impact of this missense change (SIFT: "Tolerated"; PolyPhen-2: "Possibly Damaging"; Align-GVGD: "Class C0"). This variant has not been reported in the literature in individuals affected with STIM1-related conditions. This variant is not present in population databases (gnomAD no frequency). This sequence change replaces leucine, which is neutral and non-polar, with proline, which is neutral and non-polar, at codon 7 of the STIM1 protein (p.Leu7Pro).

NM_001382567.1(STIM1):c.20T>C (p.Leu7Pro)

Gene: STIM1 (stromal interaction molecule 1; plus strand). Cytogenetic location: 11p15.4.
Variant type: single nucleotide variant.
Coding change: c.20T>C on transcript NM_001382567.1 (MANE Select); coding-DNA position 20, T replaced by C.
Protein change: p.Leu7Pro; replaces leucine 7 with proline.
Molecular consequence: missense variant. On other transcripts: synonymous variant (1), 5 prime UTR variant (1), non-coding transcript variant (3), intron variant (10).
Genome position (GRCh38, 1-based): chr11:3,856,290, T>C. VCF-style: chr11-3856290-T-C. GRCh37 (hg19) VCF-style: chr11-3877520-T-C.
Other names: c.20T>C, p.Leu7Pro (NM_001277961.3, NM_001277962.2, NM_001382568.1 and 3 more transcripts); c.16T>C, p.Leu6= (NM_001382569.1); c.-218T>C (NM_001382571.1); c.-84+1554T>C (NM_001382578.1, NM_001382575.1, NM_001382574.1); c.-220+1554T>C (NM_001382580.1, NM_001382581.1); c.-84+1636T>C (NM_001382576.1); c.-84+874T>C (NM_001382566.1, NM_001382579.1, NM_001382577.1 and 1 more transcripts); short protein forms L7P.
Identifiers: ClinVar variation 1718450 (VCV001718450.6), dbSNP rs2496538294, ClinGen allele CA379196305.